The following is an entry in ClinVar:

ClinVar aggregate classification (germline): Pathogenic (1 of 4 stars; one submission).

Conditions:
Werner syndrome (WRN). Identifiers: Orphanet 902, MedGen C0043119, MONDO:0010196, OMIM 277700.

Allele frequency attached by ClinVar (database versions not stated): gnomAD exomes below 0.00001.
gnomAD v4.1: 1 of 1,614,058 alleles (0.000062%); highest among the groups gnomAD compares: Non-Finnish European, 0.000085%; no homozygotes.

Submission:

Labcorp Genetics (formerly Invitae), Labcorp
Classification: Pathogenic for Werner syndrome. Last evaluated: 2023-10-09. Review status: criteria provided, single submitter. Criteria: Invitae Variant Classification Sherloc (09022015). Collection method: clinical testing. Allele origin: germline.
Comment: This sequence change creates a premature translational stop signal (p.Trp1014*) in the WRN gene. It is expected to result in an absent or disrupted protein product. Loss-of-function variants in WRN are known to be pathogenic (PMID: 16673358). This variant is not present in population databases (gnomAD no frequency). This variant has not been reported in the literature in individuals affected with WRN-related conditions. For these reasons, this variant has been classified as Pathogenic.

Literature cited by the submitters: PubMed 16673358.

NM_000553.6(WRN):c.3041G>A (p.Trp1014Ter)

Gene: WRN (WRN RecQ like helicase; plus strand). Cytogenetic location: 8p12.
Variant type: single nucleotide variant.
Coding change: c.3041G>A on transcript NM_000553.6 (MANE Select); coding-DNA position 3041, G replaced by A.
Protein change: p.Trp1014Ter; replaces tryptophan 1014 with a stop codon.
Molecular consequence: nonsense.
Genome position (GRCh38, 1-based): chr8:31,141,503, G>A. VCF-style: chr8-31141503-G-A. GRCh37 (hg19) VCF-style: chr8-30999019-G-A.
Other names: short protein forms W1014*.
Identifiers: ClinVar variation 2733731 (VCV002733731.3), dbSNP rs2130415051, ClinGen allele CA370922008.